The following is an entry in ClinVar:

ClinVar aggregate classification (germline): Uncertain significance (1 of 4 stars; one submission).

Conditions:
Infantile-onset ascending hereditary spastic paralysis (IAHSP). Also called: Infantile-Onset Ascending Hereditary Spastic Paralysis (IAHSP); Autosomal Recessive Juvenile Amyotrophic Lateral Sclerosis. Identifiers: Orphanet 293168, MedGen C2931441, MONDO:0011797, OMIM 607225. Disease mechanism: loss of function.

Allele frequency attached by ClinVar (database versions not stated): TOPMed below 0.00001.

Submission:

Labcorp Genetics (formerly Invitae), Labcorp
Classification: Uncertain significance for Infantile-onset ascending hereditary spastic paralysis. Last evaluated: 2022-02-05. Review status: criteria provided, single submitter. Criteria: Invitae Variant Classification Sherloc (09022015). Collection method: clinical testing. Allele origin: germline.
Comment: In summary, the available evidence is currently insufficient to determine the role of this variant in disease. Therefore, it has been classified as a Variant of Uncertain Significance. Algorithms developed to predict the effect of missense changes on protein structure and function are either unavailable or do not agree on the potential impact of this missense change (SIFT: "Tolerated"; PolyPhen-2: "Probably Damaging"; Align-GVGD: "Class C0"). ClinVar contains an entry for this variant (Variation ID: 1043125). This variant has not been reported in the literature in individuals affected with ALS2-related conditions. This variant is not present in population databases (gnomAD no frequency). This sequence change replaces cysteine, which is neutral and slightly polar, with glycine, which is neutral and non-polar, at codon 157 of the ALS2 protein (p.Cys157Gly).

NM_020919.4(ALS2):c.469T>G (p.Cys157Gly)

Gene: ALS2 (alsin Rho guanine nucleotide exchange factor ALS2; minus strand). Cytogenetic location: 2q33.1.
Variant type: single nucleotide variant.
Coding change: c.469T>G on transcript NM_020919.4 (MANE Select); coding-DNA position 469, T replaced by G.
Protein change: p.Cys157Gly; replaces cysteine 157 with glycine.
Molecular consequence: missense variant.
Genome position (GRCh38, 1-based): chr2:201,761,525, A>C on the plus strand (T>G on the coding strand, the complement: ALS2 is on the minus strand). VCF-style: chr2-201761525-A-C. GRCh37 (hg19) VCF-style: chr2-202626248-A-C.
Other names: c.469T>G, p.Cys157Gly (NM_001135745.2); short protein forms C157G.
Identifiers: ClinVar variation 1043125 (VCV001043125.8), dbSNP rs1693768160, ClinGen allele CA350328787.